The following is an entry in ClinVar:

NM_000179.3(MSH6):c.193T>G (p.Ser65Ala)

Gene: MSH6 (mutS homolog 6; plus strand). Cytogenetic location: 2p16.3.
Variant type: single nucleotide variant.
Coding change: c.193T>G on transcript NM_000179.3 (MANE Select); coding-DNA position 193, T replaced by G.
Protein change: p.Ser65Ala; replaces serine 65 with alanine.
Molecular consequence: missense variant. On other transcripts: 5 prime UTR variant (1).
Genome position (GRCh38, 1-based): chr2:47,783,426, T>G. VCF-style: chr2-47783426-T-G. GRCh37 (hg19) VCF-style: chr2-48010565-T-G.
Other names: c.193T>G, p.Ser65Ala (NM_001281492.2); c.-544T>G (NM_001281493.2); short protein forms S65A.
Identifiers: ClinVar variation 489974 (VCV000489974.26), dbSNP rs1553408350, ClinGen allele CA346735029.
Genomic context (GRCh38, chr2:47,783,426, plus strand): 5'-GGCGGGGATGCGGCCTGGAGCGAGGCTGGGCCTGGGCCCAGGCCCTTGGCGCGCTCCGCG[T>G]CACCGCCCAAGGCGAAGAACCTCAACGGAGGGCTGCGGAGATCGGTAGCGCCTGCTGCCC-3'
Protein context (NP_000170.1, residues 55-75): PGPRPLARSA[Ser65Ala]PPKAKNLNGG

ClinVar aggregate classification (germline): Uncertain significance. Review status: criteria provided, multiple submitters, no conflicts (2 of 4 stars). 6 submissions from 6 submitters: Uncertain significance (6). Last evaluated 2024-10-10.

Conditions:
Lynch syndrome. Identifiers: Orphanet 144, MedGen C4552100, MONDO:0005835. Disease mechanism: loss of function.
Hereditary cancer-predisposing syndrome. Also called: Hereditary Cancer Syndrome; Neoplastic Syndromes, Hereditary; Tumor predisposition; Hereditary neoplastic syndrome. Identifiers: Orphanet 140162, MedGen C0027672, MeSH D009386, MONDO:0015356.
Hereditary nonpolyposis colorectal neoplasms. Identifiers: MedGen C0009405, MeSH D003123.

gnomAD v4.1: 1 of 1,506,980 alleles (0.000066%); highest among the groups gnomAD compares: Non-Finnish European, 0.000089%; no homozygotes.

Submissions (6):

GeneDx
Classification: Uncertain significance. Last evaluated: 2024-10-10. Review status: criteria provided, single submitter. Criteria: GeneDx Variant Classification Process June 2021. Collection method: clinical testing. Allele origin: germline. Affected: yes.
Comment: Not observed at significant frequency in large population cohorts (gnomAD); In silico analysis indicates that this missense variant does not alter protein structure/function; This variant is associated with the following publications: (PMID: 34326862)

Ambry Genetics
Classification: Uncertain significance for Hereditary cancer-predisposing syndrome. Last evaluated: 2024-02-15. Review status: criteria provided, single submitter. Criteria: Ambry Variant Classification Scheme 2023. Collection method: clinical testing. Allele origin: germline.
Comment: The p.S65A variant (also known as c.193T>G), located in coding exon 1 of the MSH6 gene, results from a T to G substitution at nucleotide position 193. The serine at codon 65 is replaced by alanine, an amino acid with similar properties. This amino acid position is not well conserved in available vertebrate species. In addition, this alteration is predicted to be tolerated by in silico analysis. Since supporting evidence is limited at this time, the clinical significance of this alteration remains unclear.

Labcorp Genetics (formerly Invitae), Labcorp
Classification: Uncertain significance for Hereditary nonpolyposis colorectal neoplasms. Last evaluated: 2024-01-30. Review status: criteria provided, single submitter. Criteria: Invitae Variant Classification Sherloc (09022015). Collection method: clinical testing. Allele origin: germline.
Comment: This sequence change replaces serine, which is neutral and polar, with alanine, which is neutral and non-polar, at codon 65 of the MSH6 protein (p.Ser65Ala). This variant is not present in population databases (gnomAD no frequency). This missense change has been observed in individual(s) with breast cancer (PMID: 34326862). ClinVar contains an entry for this variant (Variation ID: 489974). Advanced modeling of protein sequence and biophysical properties (such as structural, functional, and spatial information, amino acid conservation, physicochemical variation, residue mobility, and thermodynamic stability) performed at Invitae indicates that this missense variant is not expected to disrupt MSH6 protein function with a negative predictive value of 95%. In summary, the available evidence is currently insufficient to determine the role of this variant in disease. Therefore, it has been classified as a Variant of Uncertain Significance.

All of Us Research Program, National Institutes of Health
Classification: Uncertain significance for Lynch syndrome. Last evaluated: 2023-12-14. Review status: criteria provided, single submitter. Criteria: ACMG Guidelines, 2015. Collection method: clinical testing. Allele origin: germline. Inheritance: Autosomal dominant inheritance. Observed: 1 variant allele, 1 heterozygote.
Comment: This study involves interpretation of variants in research participants for the purpose of population health screening. Participant phenotype was not available at the time of variant classification. Additional details can be found in publication PMID: 35346344, PMCID: PMC8962531

Color Diagnostics, LLC DBA Color Health
Classification: Uncertain significance for Hereditary cancer-predisposing syndrome. Last evaluated: 2023-12-05. Review status: criteria provided, single submitter. Criteria: ACMG Guidelines, 2015. Collection method: clinical testing. Allele origin: germline.
Comment: This missense variant replaces serine with alanine at codon 65 of the MSH6 protein. Computational prediction suggests that this variant may not impact protein structure and function (internally defined REVEL score threshold <= 0.5, PMID: 27666373). To our knowledge, functional studies have not been reported for this variant. This variant has not been reported in individuals affected with MSH6-related disorders in the literature. This variant has not been identified in the general population by the Genome Aggregation Database (gnomAD). The available evidence is insufficient to determine the role of this variant in disease conclusively. Therefore, this variant is classified as a Variant of Uncertain Significance.

Department of Pathology and Laboratory Medicine, Sinai Health System
Classification: Uncertain significance for Lynch syndrome. Last evaluated: 2021-12-22. Review status: criteria provided, single submitter. Criteria: ACMG Guidelines, 2015. Collection method: clinical testing. Allele origin: germline. Affected: yes.

Literature cited by the submitters: PubMed 34326862 (cited by Labcorp Genetics (formerly Invitae), Labcorp).